The following is an entry in ClinVar:

NM_017802.4(DNAAF5):c.247C>T (p.Arg83Cys)

Genes: DNAAF5 (dynein axonemal assembly factor 5; plus strand), PRKAR1B (protein kinase cAMP-dependent type I regulatory subunit beta; minus strand), LOC129997730 (ATAC-STARR-seq lymphoblastoid silent region 17816; plus strand). Cytogenetic location: 7p22.3.
Variant type: single nucleotide variant.
Coding change: c.247C>T on transcript NM_017802.4 (MANE Select); coding-DNA position 247, C replaced by T.
Protein change: p.Arg83Cys; replaces arginine 83 with cysteine.
Molecular consequence: missense variant. On other transcripts: non-coding transcript variant (1), intron variant (3).
Genome position (GRCh38, 1-based): chr7:726,967, C>T. VCF-style: chr7-726967-C-T. GRCh37 (hg19) VCF-style: chr7-766604-C-T.
Other names: c.-23+688G>A (NM_001164759.1); c.-23+623G>A (NM_001164758.2); c.-23+243G>A (NM_001164760.2); short protein forms R83C.
Identifiers: ClinVar variation 1369883 (VCV001369883.7), dbSNP rs1368397849, ClinGen allele CA366530052.

ClinVar aggregate classification (germline): Uncertain significance. Review status: criteria provided, multiple submitters, no conflicts (2 of 4 stars). 2 submissions from 2 submitters: Uncertain significance (2). Last evaluated 2024-06-07.

Conditions:
Primary ciliary dyskinesia. Also called: Ciliary dyskinesia. Identifiers: Orphanet 244, MedGen C0008780, MONDO:0016575, HP:0012265.

Allele frequency attached by ClinVar (database versions not stated): TOPMed 0.00001; gnomAD 0.00008 and 0.00009; gnomAD exomes 0.00015 and 0.00017.
gnomAD v4.1: 60 of 1,314,896 alleles (0.0046%); highest among the groups gnomAD compares: Non-Finnish European, 0.0011%; no homozygotes.

Submissions (2):

Blueprint Genetics
Classification: Uncertain significance. Last evaluated: 2024-06-07. Review status: criteria provided, single submitter. Criteria: ACMG Guidelines, 2015. Collection method: clinical testing. Allele origin: germline.

Labcorp Genetics (formerly Invitae), Labcorp
Classification: Uncertain significance for Primary ciliary dyskinesia. Last evaluated: 2021-02-28. Review status: criteria provided, single submitter. Criteria: Invitae Variant Classification Sherloc (09022015). Collection method: clinical testing. Allele origin: germline.
Comment: In summary, the available evidence is currently insufficient to determine the role of this variant in disease. Therefore, it has been classified as a Variant of Uncertain Significance. Algorithms developed to predict the effect of missense changes on protein structure and function are either unavailable or do not agree on the potential impact of this missense change (SIFT: "Deleterious"; PolyPhen-2: "Possibly Damaging"; Align-GVGD: "Class C0"). This variant has not been reported in the literature in individuals with DNAAF5-related conditions. The frequency data for this variant in the population databases is considered unreliable, as metrics indicate insufficient coverage at this position in the ExAC database. This sequence change replaces arginine with cysteine at codon 83 of the DNAAF5 protein (p.Arg83Cys). The arginine residue is moderately conserved and there is a large physicochemical difference between arginine and cysteine.